The following is an entry in ClinVar:

NM_001148.6(ANK2):c.5385G>T (p.Glu1795Asp)

Genes: ANK2 (ankyrin 2; plus strand), LOC126807136 (MED14-independent group 3 enhancer GRCh37_chr4:114274931-114276130; plus strand). Cytogenetic location: 4q26.
Variant type: single nucleotide variant.
Coding change: c.5385G>T on transcript NM_001148.6 (MANE Select); coding-DNA position 5385, G replaced by T.
Protein change: p.Glu1795Asp; replaces glutamic acid 1795 with aspartic acid.
Molecular consequence: missense variant. On other transcripts: intron variant (68).
Genome position (GRCh38, 1-based): chr4:113,354,003, G>T. VCF-style: chr4-113354003-G-T. GRCh37 (hg19) VCF-style: chr4-114275159-G-T.
Other names: c.5151G>T, p.Glu1717Asp (NM_001386142.1); c.1785G>T, p.Glu595Asp (NM_001386166.1); c.5526G>T, p.Glu1842Asp (NM_001386174.1); c.5502G>T, p.Glu1834Asp (NM_001386175.1); c.4411+3754G>T (NM_001386186.2, NM_001386148.2); c.4213+3754G>T (NM_001354269.3); c.4291+3754G>T (NM_001386187.2); c.4252+3754G>T (NM_001386147.1); and 35 more; short protein forms E1717D, E1795D, E1842D, E1834D, E595D.
Identifiers: ClinVar variation 2565299 (VCV002565299.2), dbSNP rs777568337, ClinGen allele CA3051214.

ClinVar aggregate classification (germline): Uncertain significance (1 of 4 stars; one submission).

Conditions:
Cardiovascular phenotype. Identifiers: MedGen CN230736.

Allele frequency attached by ClinVar (database versions not stated): TOPMed below 0.00001.

Submission:

Ambry Genetics
Classification: Uncertain significance for Cardiovascular phenotype. Last evaluated: 2023-04-11. Review status: criteria provided, single submitter. Criteria: Ambry Variant Classification Scheme 2023. Collection method: clinical testing. Allele origin: germline.
Comment: The p.E1795D variant (also known as c.5385G>T), located in coding exon 38 of the ANK2 gene, results from a G to T substitution at nucleotide position 5385. The glutamic acid at codon 1795 is replaced by aspartic acid, an amino acid with highly similar properties. This amino acid position is conserved. In addition, this alteration is predicted to be tolerated by in silico analysis. Since supporting evidence is limited at this time, the clinical significance of this alteration remains unclear.